The following is an entry in ClinVar:

NM_017999.5(RNF31):c.495+18T>C

Gene: RNF31 (ring finger protein 31; plus strand). Cytogenetic location: 14q12.
Variant type: single nucleotide variant.
Coding change: c.495+18T>C on transcript NM_017999.5 (MANE Select); 18 bases into the intron after coding-DNA position 495, T replaced by C.
Molecular consequence: intron variant. On other transcripts: 5 prime UTR variant (1).
Genome position (GRCh38, 1-based): chr14:24,148,431, T>C. VCF-style: chr14-24148431-T-C. GRCh37 (hg19) VCF-style: chr14-24617640-T-C.
Other names: c.-5T>C (NM_001310332.2); c.495+18T>C (NM_017999.4).
Identifiers: ClinVar variation 1628889 (VCV001628889.11), dbSNP rs201959276, ClinGen allele CA7125471.

ClinVar aggregate classification (germline): Likely benign. Review status: criteria provided, multiple submitters, no conflicts (2 of 4 stars). 3 submissions from 3 submitters: Likely benign (2). 1 of the submissions does not count toward it. Last evaluated 2026-02-02.

Conditions:
RNF31-related disorder. Also called: RNF31-related condition.

Allele frequency attached by ClinVar (database versions not stated): 1000 Genomes Project 0.00040; 1000 Genomes Project 30x 0.00047; gnomAD 0.00065 and 0.00067; TOPMed 0.00067; ESP Exome Variant Server 0.00097.
gnomAD v4.1: 1,561 of 1,613,852 alleles (0.097%); highest among the groups gnomAD compares: Non-Finnish European, 0.12%; 1 homozygote.

Submissions (3):

Labcorp Genetics (formerly Invitae), Labcorp
Classification: Likely benign. Last evaluated: 2026-02-02. Review status: criteria provided, single submitter. Criteria: Invitae Variant Classification Sherloc (09022015). Collection method: clinical testing. Allele origin: germline.

Blueprint Genetics
Classification: Likely benign. Last evaluated: 2024-11-07. Review status: criteria provided, single submitter. Criteria: ACMG Guidelines, 2015. Collection method: clinical testing. Allele origin: germline.

PreventionGenetics, part of Exact Sciences
Classification: Likely benign for RNF31-related condition. Last evaluated: 2019-02-19. Review status: no assertion criteria provided. Collection method: clinical testing. Allele origin: germline. Not counted in ClinVar's aggregate classification.
Comment: This variant is classified as likely benign based on ACMG/AMP sequence variant interpretation guidelines (Richards et al. 2015 PMID: 25741868, with internal and published modifications).